The following is an entry in ClinVar:

ClinVar aggregate classification (germline): Uncertain significance. Review status: criteria provided, multiple submitters, no conflicts (2 of 4 stars). 7 submissions from 7 submitters: Uncertain significance (6). 1 of the submissions does not count toward it. Last evaluated 2025-12-15.

Conditions:
Inborn genetic diseases. Identifiers: MedGen C0950123, MeSH D030342.
Multiple congenital anomalies-hypotonia-seizures syndrome 3 (MCAHS3). Also called: GLYCOSYLPHOSPHATIDYLINOSITOL BIOSYNTHESIS DEFECT 7. Identifiers: Orphanet 369837, MedGen C3809356, MONDO:0014165, OMIM 615398.

Allele frequency attached by ClinVar (database versions not stated): gnomAD 0.00004; TOPMed 0.00007; gnomAD exomes 0.00012 and 0.00010; ExAC 0.00012.

Submissions (7):

Labcorp Genetics (formerly Invitae), Labcorp
Classification: Uncertain significance for Multiple congenital anomalies-hypotonia-seizures syndrome 3. Last evaluated: 2025-12-15. Review status: criteria provided, single submitter. Criteria: Invitae Variant Classification Sherloc (09022015). Collection method: clinical testing. Allele origin: germline.
Comment: This sequence change replaces tyrosine, which is neutral and polar, with cysteine, which is neutral and slightly polar, at codon 361 of the PIGT protein (p.Tyr361Cys). This variant is present in population databases (rs781604094, gnomAD 0.03%). This variant has not been reported in the literature in individuals affected with PIGT-related conditions. ClinVar contains an entry for this variant (Variation ID: 1049999). Invitae Evidence Modeling of protein sequence and biophysical properties (such as structural, functional, and spatial information, amino acid conservation, physicochemical variation, residue mobility, and thermodynamic stability) indicates that this missense variant is expected to disrupt PIGT protein function with a positive predictive value of 95%. In summary, the available evidence is currently insufficient to determine the role of this variant in disease. Therefore, it has been classified as a Variant of Uncertain Significance.

ARUP Laboratories, Molecular Genetics and Genomics, ARUP Laboratories
Classification: Uncertain significance. Last evaluated: 2025-02-12. Review status: criteria provided, single submitter. Criteria: ARUP Molecular Germline Variant Investigation Process 2024. Collection method: clinical testing. Allele origin: germline.

Ambry Genetics
Classification: Uncertain significance for Inborn genetic diseases. Last evaluated: 2024-12-25. Review status: criteria provided, single submitter. Criteria: Ambry Variant Classification Scheme 2023. Collection method: clinical testing. Allele origin: germline.

GeneDx
Classification: Uncertain significance. Last evaluated: 2024-05-01. Review status: criteria provided, single submitter. Criteria: GeneDx Variant Classification Process June 2021. Collection method: clinical testing. Allele origin: germline. Affected: yes.
Comment: In silico analysis supports that this missense variant has a deleterious effect on protein structure/function; Has not been previously published as pathogenic or benign to our knowledge

Blueprint Genetics
Classification: Uncertain significance. Last evaluated: 2023-10-27. Review status: criteria provided, single submitter. Criteria: ACMG Guidelines, 2015. Collection method: clinical testing. Allele origin: germline.

Revvity Omics, Revvity
Classification: Uncertain significance. Last evaluated: 2022-03-16. Review status: criteria provided, single submitter. Criteria: ACMG Guidelines, 2015. Collection method: clinical testing. Allele origin: germline.

Department of Pathology and Laboratory Medicine, Sinai Health System
Classification: Uncertain significance. Review status: no assertion criteria provided. Collection method: clinical testing. Allele origin: unknown. Affected: yes. Study: The Canadian Open Genetics Repository (COGR). Not counted in ClinVar's aggregate classification.
Comment: The PIGT p.Tyr305Cys variant was not identified in the literature nor was it identified in ClinVar, Cosmic or LOVD 3.0. The variant was identified in dbSNP (ID: rs781604094) and in control databases in 26 of 282618 chromosomes at a frequency of 0.000092 (Genome Aggregation Database Feb 27, 2017). The variant was observed in the following populations: South Asian in 10 of 30616 chromosomes (freq: 0.000327), European (non-Finnish) in 15 of 128972 chromosomes (freq: 0.000116) and Latino in 1 of 35428 chromosomes (freq: 0.000028), while the variant was not observed in the African, Ashkenazi Jewish, East Asian, European (Finnish) and Other populations. The variant occurs outside of the splicing consensus sequence and in silico or computational prediction software programs (SpliceSiteFinder, MaxEntScan, NNSPLICE, GeneSplicer) do not predict a difference in splicing. The p.Tyr305 residue is conserved in mammals and computational analyses (PolyPhen-2, SIFT, AlignGVGD, BLOSUM, MutationTaster) provide inconsistent predictions regarding the impact to the protein; this information is not very predictive of pathogenicity. In summary, based on the above information the clinical significance of this variant cannot be determined with certainty at this time. This variant is classified as a variant of uncertain significance.

NM_015937.6(PIGT):c.1082A>G (p.Tyr361Cys)

Gene: PIGT (phosphatidylinositol glycan anchor biosynthesis class T; plus strand). Cytogenetic location: 20q13.12.
Variant type: single nucleotide variant.
Coding change: c.1082A>G on transcript NM_015937.6 (MANE Select); coding-DNA position 1082, A replaced by G.
Protein change: p.Tyr361Cys; replaces tyrosine 361 with cysteine.
Molecular consequence: missense variant. On other transcripts: non-coding transcript variant (5), intron variant (1).
Genome position (GRCh38, 1-based): chr20:45,421,431, A>G. VCF-style: chr20-45421431-A-G. GRCh37 (hg19) VCF-style: chr20-44050071-A-G.
Other names: c.1082A>G (NM_015937.4, NM_015937.5); c.914A>G, p.Tyr305Cys (NM_001184728.3); c.776A>G, p.Tyr259Cys (NM_001184730.3); c.1033+738A>G (NM_001184729.3); short protein forms Y259C, Y305C, Y361C.
Identifiers: ClinVar variation 1049999 (VCV001049999.10), dbSNP rs781604094, ClinGen allele CA9878162.